The following is an entry in ClinVar:

NM_015213.4(DENND5A):c.2885C>T (p.Pro962Leu)

Gene: DENND5A (DENN domain containing 5A; minus strand). Cytogenetic location: 11p15.4.
Variant type: single nucleotide variant.
Coding change: c.2885C>T on transcript NM_015213.4 (MANE Select); coding-DNA position 2885, C replaced by T.
Protein change: p.Pro962Leu; replaces proline 962 with leucine.
Molecular consequence: missense variant. On other transcripts: non-coding transcript variant (1).
Genome position (GRCh38, 1-based): chr11:9,145,788, G>A on the plus strand (C>T on the coding strand, the complement: DENND5A is on the minus strand). VCF-style: chr11-9145788-G-A. GRCh37 (hg19) VCF-style: chr11-9167335-G-A.
Other names: c.2885C>T, p.Pro962Leu (NM_001243254.2, NM_001348748.1); c.2813C>T, p.Pro938Leu (NM_001348749.2); c.2597C>T, p.Pro866Leu (NM_001348750.2); short protein forms P938L, P962L, P866L.
Identifiers: ClinVar variation 1930335 (VCV001930335.5), dbSNP rs1490126993, ClinGen allele CA379604022.

ClinVar aggregate classification (germline): Uncertain significance (1 of 4 stars; one submission).

Allele frequency attached by ClinVar (database versions not stated): TOPMed below 0.00001; gnomAD 0.00001.
gnomAD v4.1: 1 of 1,614,070 alleles (0.000062%); highest among the groups gnomAD compares: African/African-American, 0.0013%; no homozygotes.

Submission:

Labcorp Genetics (formerly Invitae), Labcorp
Classification: Uncertain significance. Last evaluated: 2022-01-11. Review status: criteria provided, single submitter. Criteria: Invitae Variant Classification Sherloc (09022015). Collection method: clinical testing. Allele origin: germline.
Comment: In summary, the available evidence is currently insufficient to determine the role of this variant in disease. Therefore, it has been classified as a Variant of Uncertain Significance. Algorithms developed to predict the effect of missense changes on protein structure and function are either unavailable or do not agree on the potential impact of this missense change (SIFT: "Deleterious"; PolyPhen-2: "Possibly Damaging"; Align-GVGD: "Class C0"). This variant has not been reported in the literature in individuals affected with DENND5A-related conditions. This variant is not present in population databases (gnomAD no frequency). This sequence change replaces proline, which is neutral and non-polar, with leucine, which is neutral and non-polar, at codon 962 of the DENND5A protein (p.Pro962Leu).